The following is an entry in ClinVar:

ClinVar aggregate classification (germline): Uncertain significance. Review status: criteria provided, multiple submitters, no conflicts (2 of 4 stars). 2 submissions from 2 submitters: Uncertain significance (2). Last evaluated 2023-12-23.

Conditions:
Glomerulopathy with fibronectin deposits 2 (GFND2). Identifiers: Orphanet 84090, MedGen C1866075, MONDO:0011165, OMIM 601894.
Spondylometaphyseal dysplasia - Sutcliffe type. Also called: Sutcliffe type of spondylometaphyseal dysplasia; Sutcliffe SMD; Spondylometaphyseal Dysplasia, Corner Fracture Type; Spondylometaphyseal dysplasia, 'corner fracture' type. Identifiers: Orphanet 93315, MedGen C0432221, MONDO:0008479, OMIM 184255.

Allele frequency attached by ClinVar (database versions not stated): gnomAD exomes below 0.00001; TOPMed below 0.00001; gnomAD 0.00001.
gnomAD v4.1: 2 of 1,613,594 alleles (0.00012%); highest among the groups gnomAD compares: Non-Finnish European, 0.00017%; no homozygotes.

Submissions (2):

Fulgent Genetics
Classification: Uncertain significance for Spondylometaphyseal dysplasia - Sutcliffe type; Glomerulopathy with fibronectin deposits 2. Last evaluated: 2023-12-23. Review status: criteria provided, single submitter. Criteria: ACMG Guidelines, 2015. Collection method: clinical testing. Allele origin: germline.

Labcorp Genetics (formerly Invitae), Labcorp
Classification: Uncertain significance. Last evaluated: 2023-03-26. Review status: criteria provided, single submitter. Criteria: Invitae Variant Classification Sherloc (09022015). Collection method: clinical testing. Allele origin: germline.
Comment: In summary, the available evidence is currently insufficient to determine the role of this variant in disease. Therefore, it has been classified as a Variant of Uncertain Significance. An algorithm developed to predict the effect of missense changes on protein structure and function (PolyPhen-2) suggests that this variant is likely to be disruptive. This variant has not been reported in the literature in individuals affected with FN1-related conditions. This variant is not present in population databases (gnomAD no frequency). This sequence change replaces valine, which is neutral and non-polar, with glycine, which is neutral and non-polar, at codon 1905 of the FN1 protein (p.Val1905Gly).

NM_212482.4(FN1):c.5714T>G (p.Val1905Gly)

Gene: FN1 (fibronectin 1; minus strand). Cytogenetic location: 2q35.
Variant type: single nucleotide variant.
Coding change: c.5714T>G on transcript NM_212482.4 (MANE Select); coding-DNA position 5714, T replaced by G.
Protein change: p.Val1905Gly; replaces valine 1905 with glycine.
Molecular consequence: missense variant.
Genome position (GRCh38, 1-based): chr2:215,376,671, A>C on the plus strand (T>G on the coding strand, the complement: FN1 is on the minus strand). VCF-style: chr2-215376671-A-C. GRCh37 (hg19) VCF-style: chr2-216241394-A-C.
Other names: c.5714T>G, p.Val1905Gly (NM_001306129.2); c.5444T>G, p.Val1815Gly (NM_001306130.2, NM_001365517.2, NM_001365519.2 and 2 more transcripts); c.5171T>G, p.Val1724Gly (NM_001306131.2, NM_001306132.2, NM_001365523.2 and 2 more transcripts); c.5441T>G, p.Val1814Gly (NM_001365518.2, NM_001365520.2, NM_001365524.2 and 2 more transcripts); short protein forms V1814G, V1815G, V1724G, V1905G.
Identifiers: ClinVar variation 2836694 (VCV002836694.4), dbSNP rs2057335290, ClinGen allele CA350471767.
Genomic context (GRCh38, chr2:215,376,671, plus strand): 5'-CAGCTAATGGTGATGGTGGTCTCAGTAGCATCTGTCACACGAGCCCTTCTTGGTGGGCTG[A>C]CATCTGCACAGGAGCATAGCTAGAGATTAGTGCCTGCTTGGCTCATCCATGTAAAGTTTT-3'
Protein context (NP_997647.2, residues 1895-1915): AQGVVTTLEN[Val1905Gly]SPPRRARVTD